The following is an entry in ClinVar:

NM_001364905.1(LRBA):c.1697del (p.Lys566fs)

Gene: LRBA (LPS responsive beige-like anchor protein; minus strand). Cytogenetic location: 4q31.3.
Variant type: Deletion.
Coding change: c.1697del on transcript NM_001364905.1 (MANE Select); coding-DNA position 1697, one base deleted (A; older notation c.1697delA).
Protein change: p.Lys566fs; shifts the reading frame from lysine 566.
Molecular consequence: frameshift variant.
Genome position (GRCh38, 1-based): chr4:150,905,896, T deleted on the plus strand (A on the coding strand, the reverse complement: LRBA is on the minus strand); the first of 2 consecutive T bases (chr4:150,905,896-150,905,897); deleting either gives the same sequence. VCF-style (leftmost placement, unchanged base first): chr4-150905895-CT-C. GRCh37 (hg19) VCF-style: chr4-151827047-CT-C.
Other names: c.1696delA, p.Lys566Serfs (NM_001199282.3, NM_006726.5); c.1697del, p.Lys566fs (NM_001367550.1); short protein forms K566fs.
Identifiers: ClinVar variation 1391949 (VCV001391949.6), dbSNP rs2127154885, ClinGen allele CA2573138162.
Genomic context (GRCh38, chr4:150,905,895, plus strand): 5'-TACCTTGGCTGGGGTATGAATCCATATGGCAGGATTAAGAAGAACGTGATCACACAATTG[CT>C]TGAGCAGGGGCATCCCATTCTGCAGATTACTCAGATATTTTGAAAATGCAAGGCAAAGTT-3'

ClinVar aggregate classification (germline): Pathogenic (1 of 4 stars; one submission).

Conditions:
Combined immunodeficiency due to LRBA deficiency. Also called: Common variable immunodeficiency 8, with autoimmunity. Identifiers: Orphanet 445018, MedGen C3553512, MONDO:0013863, OMIM 614700.

Submission:

Labcorp Genetics (formerly Invitae), Labcorp
Classification: Pathogenic for Combined immunodeficiency due to LRBA deficiency. Last evaluated: 2021-04-16. Review status: criteria provided, single submitter. Criteria: Invitae Variant Classification Sherloc (09022015). Collection method: clinical testing. Allele origin: germline.
Comment: This variant is not present in population databases (ExAC no frequency). This sequence change creates a premature translational stop signal (p.Lys566Serfs*23) in the LRBA gene. It is expected to result in an absent or disrupted protein product. Loss-of-function variants in LRBA are known to be pathogenic (PMID: 26206937, 26768763). This variant has not been reported in the literature in individuals with LRBA-related conditions. For these reasons, this variant has been classified as Pathogenic.

Literature cited by the submitters: PubMed 26206937; PubMed 26768763.